The following is an entry in ClinVar:

ClinVar aggregate classification (germline): Likely pathogenic (1 of 4 stars; one submission).

Submission:

GeneDx
Classification: Likely pathogenic. Last evaluated: 2018-08-24. Review status: criteria provided, single submitter. Criteria: GeneDx Variant Classification (06012015). Collection method: clinical testing. Allele origin: germline. Affected: yes.
Comment: The c.460_461delCG variant in the PDE11A gene has not been reported previously as a pathogenic variant nor as a benign variant, to our knowledge. The c.460_461delCG variant causes a frameshift starting with codon Arginine 154, changes this amino acid to a Glutamic acid residue, and creates a premature Stop codon at position 46 of the new reading frame, denoted p.Arg154GlufsX46. This variant is predicted to cause loss of normal protein function either through protein truncation or nonsense-mediated mRNA decay. The c.460_461delCG variant is not observed in large population cohorts (Lek et al., 2016). We interpret c.460_461delCG as a likely pathogenic variant.

NM_016953.4(PDE11A):c.460_461del (p.Arg154fs)

Gene: PDE11A (phosphodiesterase 11A; minus strand). Cytogenetic location: 2q31.2.
Variant type: Deletion.
Coding change: c.460_461del on transcript NM_016953.4 (MANE Select); coding-DNA positions 460 to 461, 2 bases deleted (CG; older notation c.460_461delCG).
Protein change: p.Arg154fs; shifts the reading frame from arginine 154.
Molecular consequence: frameshift variant. On other transcripts: intron variant (1).
Genome position (GRCh38, 1-based): chr2:178,071,977-178,071,978, CG deleted on the plus strand (CG on the coding strand, the reverse complement: PDE11A is on the minus strand). VCF-style (leftmost placement, unchanged base first): chr2-178071976-CCG-C. GRCh37 (hg19) VCF-style: chr2-178936703-CCG-C.
Other names: c.162+32324_162+32325del (NM_001077197.2); short protein forms R154fs.
Identifiers: ClinVar variation 503786 (VCV000503786.2), dbSNP rs1553505929, ClinGen allele CA658795965.